The following is an entry in ClinVar:

NM_003052.5(SLC34A1):c.479T>G (p.Val160Gly)

Gene: SLC34A1 (solute carrier family 34 member 1; plus strand). Cytogenetic location: 5q35.3.
Variant type: single nucleotide variant.
Coding change: c.479T>G on transcript NM_003052.5 (MANE Select); coding-DNA position 479, T replaced by G.
Protein change: p.Val160Gly; replaces valine 160 with glycine.
Molecular consequence: missense variant.
Genome position (GRCh38, 1-based): chr5:177,386,513, T>G. VCF-style: chr5-177386513-T-G. GRCh37 (hg19) VCF-style: chr5-176813514-T-G.
Other names: c.479T>G, p.Val160Gly (NM_001167579.2); short protein forms V160G.
Identifiers: ClinVar variation 3894550 (VCV003894550.1).

ClinVar aggregate classification (germline): Uncertain significance (1 of 4 stars; one submission).

Conditions:
Hypophosphatemic nephrolithiasis/osteoporosis 1. Identifiers: Orphanet 244305, MedGen C2676786, MONDO:0012850, OMIM 612286.

gnomAD v4.1: 2 of 1,614,110 alleles (0.00012%); highest among the groups gnomAD compares: South Asian, 0.0022%; no homozygotes.

Submission:

MVZ Medizinische Genetik Mainz
Classification: Uncertain significance for Hypophosphatemic nephrolithiasis/osteoporosis 1. Last evaluated: 2025-03-14. Review status: criteria provided, single submitter. Criteria: UK Practice Guidelines For Variant Classification V4 01 2020. Collection method: clinical testing. Allele origin: germline. Inheritance: Autosomal dominant inheritance. Affected: yes. Observed: 1 variant allele.
Comment: ACMG Criteria: PP3_STR,PM2_SUP